The following is an entry in ClinVar:

NM_052876.4(NACC1):c.1306G>A (p.Val436Met)

Gene: NACC1 (nucleus accumbens associated 1; plus strand). Cytogenetic location: 19p13.13.
Variant type: single nucleotide variant.
Coding change: c.1306G>A on transcript NM_052876.4 (MANE Select); coding-DNA position 1306, G replaced by A.
Protein change: p.Val436Met; replaces valine 436 with methionine.
Molecular consequence: missense variant.
Genome position (GRCh38, 1-based): chr19:13,137,557, G>A. VCF-style: chr19-13137557-G-A. GRCh37 (hg19) VCF-style: chr19-13248371-G-A.
Other names: short protein forms V436M.
Identifiers: ClinVar variation 2780433 (VCV002780433.3), dbSNP rs916113827, ClinGen allele CA305555052.

ClinVar aggregate classification (germline): Uncertain significance (1 of 4 stars; one submission).

Allele frequency attached by ClinVar (database versions not stated): gnomAD exomes below 0.00001; gnomAD 0.00001.
gnomAD v4.1: 3 of 1,557,618 alleles (0.00019%); highest among the groups gnomAD compares: Admixed American, 0.0039%; no homozygotes.

Submission:

Labcorp Genetics (formerly Invitae), Labcorp
Classification: Uncertain significance. Last evaluated: 2023-04-27. Review status: criteria provided, single submitter. Criteria: Invitae Variant Classification Sherloc (09022015). Collection method: clinical testing. Allele origin: germline.
Comment: In summary, the available evidence is currently insufficient to determine the role of this variant in disease. Therefore, it has been classified as a Variant of Uncertain Significance. Advanced modeling of protein sequence and biophysical properties (such as structural, functional, and spatial information, amino acid conservation, physicochemical variation, residue mobility, and thermodynamic stability) performed at Invitae indicates that this missense variant is not expected to disrupt NACC1 protein function. This variant has not been reported in the literature in individuals affected with NACC1-related conditions. This variant is not present in population databases (gnomAD no frequency). This sequence change replaces valine, which is neutral and non-polar, with methionine, which is neutral and non-polar, at codon 436 of the NACC1 protein (p.Val436Met).